The following is an entry in ClinVar:

NM_174936.4(PCSK9):c.1847C>T (p.Pro616Leu)

Gene: PCSK9 (proprotein convertase subtilisin/kexin type 9; plus strand). Cytogenetic location: 1p32.3.
Variant type: single nucleotide variant.
Coding change: c.1847C>T on transcript NM_174936.4 (MANE Select); coding-DNA position 1847, C replaced by T.
Protein change: p.Pro616Leu; replaces proline 616 with leucine.
Molecular consequence: missense variant.
Genome position (GRCh38, 1-based): chr1:55,061,540, C>T. VCF-style: chr1-55061540-C-T. GRCh37 (hg19) VCF-style: chr1-55527213-C-T.
Other names: c.1970C>T, p.Pro657Leu (NM_001407240.1); c.1889C>T, p.Pro630Leu (NM_001407241.1); c.1850C>T, p.Pro617Leu (NM_001407242.1); c.1790C>T, p.Pro597Leu (NM_001407243.1); c.1673C>T, p.Pro558Leu (NM_001407244.1); c.1655C>T, p.Pro552Leu (NM_001407245.1); c.1472C>T, p.Pro491Leu (NM_001407246.1); c.1346C>T, p.Pro449Leu (NM_001407247.1); short protein forms P616L, P558L, P630L, P449L, P491L, P552L, P657L, P617L.
Identifiers: ClinVar variation 922141 (VCV000922141.8), dbSNP rs755750316, ClinGen allele CA039055.

ClinVar aggregate classification (germline): Uncertain significance. Review status: criteria provided, multiple submitters, no conflicts (2 of 4 stars). 2 submissions from 2 submitters: Uncertain significance (2). Last evaluated 2025-09-07.

Conditions:
Familial hypercholesterolemia. Also called: Familial hypercholesterolemias; Familial hypercholesterolaemia. Identifiers: MedGen C0020445, MONDO:0005439.
Hypercholesterolemia, autosomal dominant, 3 (FHCL3). Also called: Familial hypercholesterolemia 3; Familial Hypercholesterolemia, Autosomal Dominant, 3; PCSK9-Related Familial Hypercholesterolemia, Autosomal Dominant. Identifiers: MedGen C1863551, MONDO:0011369, OMIM 603776.

Allele frequency attached by ClinVar (database versions not stated): TOPMed 0.00003.
gnomAD v4.1: 33 of 1,598,766 alleles (0.0021%); highest among the groups gnomAD compares: East Asian, 0.011%; no homozygotes.

Submissions (2):

Labcorp Genetics (formerly Invitae), Labcorp
Classification: Uncertain significance for Hypercholesterolemia, autosomal dominant, 3. Last evaluated: 2025-09-07. Review status: criteria provided, single submitter. Criteria: Invitae Variant Classification Sherloc (09022015). Collection method: clinical testing. Allele origin: germline.
Comment: This sequence change replaces proline, which is neutral and non-polar, with leucine, which is neutral and non-polar, at codon 616 of the PCSK9 protein (p.Pro616Leu). The frequency data for this variant in the population databases is considered unreliable, as metrics indicate poor data quality at this position in the gnomAD database. This variant has not been reported in the literature in individuals affected with PCSK9-related conditions. ClinVar contains an entry for this variant (Variation ID: 922141). Invitae Evidence Modeling of protein sequence and biophysical properties (such as structural, functional, and spatial information, amino acid conservation, physicochemical variation, residue mobility, and thermodynamic stability) indicates that this missense variant is not expected to disrupt PCSK9 protein function with a negative predictive value of 80%. Experimental studies are conflicting or provide insufficient evidence to determine the effect of this variant on PCSK9 function (PMID: 26195630). In summary, the available evidence is currently insufficient to determine the role of this variant in disease. Therefore, it has been classified as a Variant of Uncertain Significance.

Color Diagnostics, LLC DBA Color Health
Classification: Uncertain significance for Familial hypercholesterolemia. Last evaluated: 2024-04-25. Review status: criteria provided, single submitter. Criteria: ACMG Guidelines, 2015. Collection method: clinical testing. Allele origin: germline.
Comment: This missense variant replaces proline with leucine at codon 616 of the PCSK9 protein. Computational prediction tools indicate that this variant has a neutral impact on protein structure and function. To our knowledge, functional studies have not been reported for this variant. This variant has not been reported in individuals affected with PCSK9-related disorders in the literature. This variant has been reported in one hypocholesterolemic individual (PMID: 17170371). This variant has been identified in 9/251314 chromosomes in the general population by the Genome Aggregation Database (gnomAD). The available evidence is insufficient to determine the role of this variant in disease conclusively. Therefore, this variant is classified as a Variant of Uncertain Significance.

Literature cited by the submitters: PubMed 26195630 (cited by Labcorp Genetics (formerly Invitae), Labcorp); PubMed 17170371 (cited by Color Diagnostics, LLC DBA Color Health).